The following is an entry in ClinVar:

ClinVar aggregate classification (germline): Uncertain significance. Review status: criteria provided, multiple submitters, no conflicts (2 of 4 stars). 10 submissions from 10 submitters: Uncertain significance (9). 1 of the submissions does not count toward it. Last evaluated 2025-08-06.

Conditions:
Myopathy caused by variation in FKTN. Identifiers: MedGen CN305638, MONDO:0700067.
Muscular dystrophy-dystroglycanopathy (congenital with brain and eye anomalies), type A1 (MDDGA1). Also called: Muscular dystrophy-dystroglycanopathy (congenital with brain and eye anomalies), type A, 1; WALKER-WARBURG SYNDROME OR MUSCLE-EYE-BRAIN DISEASE, POMT1-RELATED; Hydrocephalus, agyria and retinal dysplasia; Hard +/- E syndrome; Warburg syndrome; Chemke syndrome. Identifiers: Orphanet 588, Orphanet 899, MedGen C4284790, MONDO:0009364, OMIM 236670.
Dilated cardiomyopathy 1X (CMD1X). Also called: CARDIOMYOPATHY, DILATED, WITH MILD OR NO PROXIMAL MUSCLE WEAKNESS; FKTN-Related Dilated Cardiomyopathy. Identifiers: Orphanet 154, MedGen C1969024, MONDO:0012704, OMIM 611615.
Muscular dystrophy-dystroglycanopathy (congenital without impaired intellectual development), type B, 4. Also called: Muscular dystrophy-dystroglycanopathy (congenital without intellectual disability), type B4; MUSCULAR DYSTROPHY, CONGENITAL, FKTN-RELATED. Identifiers: MedGen C2751052, MONDO:0013156, OMIM 613152.
Autosomal recessive limb-girdle muscular dystrophy type 2M. Also called: MUSCULAR DYSTROPHY-DYSTROGLYCANOPATHY (LIMB-GIRDLE), TYPE C, 4; MUSCULAR DYSTROPHY, LIMB-GIRDLE, TYPE 2M. Identifiers: Orphanet 206554, MedGen C1969040, MONDO:0012699, OMIM 611588.
Muscular dystrophy-dystroglycanopathy (congenital with brain and eye anomalies), type A, 4 (MDDGA4). Also called: WALKER-WARBURG SYNDROME OR MUSCLE-EYE-BRAIN DISEASE, FKTN-RELATED; Congenital muscular dystrophy-dystroglycanopathy with brain and eye anomalies, type A4; Muscular dystrophy, congenital progressive, with mental retardation; Muscular dystrophy, congenital, with central nervous system involvement; Cerebromuscular dystrophy, Fukuyama type; Fukuyama congenital muscular dystrophy. Identifiers: Orphanet 272, Orphanet 588, Orphanet 899, MedGen C0410174, MONDO:0009678, OMIM 253800.
Cardiovascular phenotype. Identifiers: MedGen CN230736.
Walker-Warburg congenital muscular dystrophy. Also called: Muscular dystrophy-dystroglycanopathy, type A; Walker-Warburg syndrome. Identifiers: Orphanet 899, MedGen C0265221, MONDO:0000171.

Allele frequency attached by ClinVar (database versions not stated): gnomAD exomes 0.00009 and 0.00008; gnomAD 0.00005; ESP Exome Variant Server 0.00008; TOPMed 0.00002; ExAC 0.00008.
gnomAD v4.1: 123 of 1,613,364 alleles (0.0076%); highest among the groups gnomAD compares: Non-Finnish European, 0.0082%; no homozygotes.

Submissions (10):

Myriad Genetics, Inc.
Classification: Uncertain significance for Myopathy caused by variation in FKTN. Last evaluated: 2025-08-06. Review status: criteria provided, single submitter. Criteria: Myriad Autosomal Dominant, Autosomal Recessive and X-Linked Classification Criteria (2023). Collection method: clinical testing. Allele origin: unknown.
Comment: NM_001079802.1(FKTN):c.437G>A(R146Q) is a missense variant classified as a variant of uncertain significance in the context of FKTN-related disorders. R146Q has not been observed in cases with relevant disease. Relevant functional assessments of this variant are not available in the literature. R146Q has been observed in referenced population frequency databases. In summary, there is insufficient evidence to classify NM_001079802.1(FKTN):c.437G>A(R146Q) as pathogenic or benign. Please note: this variant was assessed in the context of healthy population screening.

Ambry Genetics
Classification: Uncertain significance for Cardiovascular phenotype. Last evaluated: 2024-09-08. Review status: criteria provided, single submitter. Criteria: Ambry Variant Classification Scheme 2023. Collection method: clinical testing. Allele origin: germline.

Blueprint Genetics
Classification: Uncertain significance. Last evaluated: 2023-09-08. Review status: criteria provided, single submitter. Criteria: ACMG Guidelines, 2015. Collection method: clinical testing. Allele origin: germline.

Labcorp Genetics (formerly Invitae), Labcorp
Classification: Uncertain significance for Walker-Warburg congenital muscular dystrophy. Last evaluated: 2022-08-23. Review status: criteria provided, single submitter. Criteria: Invitae Variant Classification Sherloc (09022015). Collection method: clinical testing. Allele origin: germline.
Comment: This sequence change replaces arginine, which is basic and polar, with glutamine, which is neutral and polar, at codon 146 of the FKTN protein (p.Arg146Gln). This variant is present in population databases (rs143748939, gnomAD 0.04%). This variant has not been reported in the literature in individuals affected with FKTN-related conditions. ClinVar contains an entry for this variant (Variation ID: 283759). Advanced modeling of protein sequence and biophysical properties (such as structural, functional, and spatial information, amino acid conservation, physicochemical variation, residue mobility, and thermodynamic stability) performed at Invitae indicates that this missense variant is expected to disrupt FKTN protein function. In summary, the available evidence is currently insufficient to determine the role of this variant in disease. Therefore, it has been classified as a Variant of Uncertain Significance.

Fulgent Genetics
Classification: Uncertain significance for Muscular dystrophy-dystroglycanopathy (congenital with brain and eye anomalies), type A1; Muscular dystrophy-dystroglycanopathy (congenital with brain and eye anomalies), type A, 4; Autosomal recessive limb-girdle muscular dystrophy type 2M; Dilated cardiomyopathy 1X; Muscular dystrophy-dystroglycanopathy (congenital without impaired intellectual development), type B, 4. Last evaluated: 2021-08-03. Review status: criteria provided, single submitter. Criteria: ACMG Guidelines, 2015. Collection method: clinical testing. Allele origin: unknown.

GeneDx
Classification: Uncertain significance. Last evaluated: 2021-05-19. Review status: criteria provided, single submitter. Criteria: GeneDx Variant Classification Process June 2021. Collection method: clinical testing. Allele origin: germline. Affected: yes.
Comment: In silico analysis, which includes protein predictors and evolutionary conservation, supports a deleterious effect; Has not been previously published as pathogenic or benign to our knowledge

Revvity Omics, Revvity
Classification: Uncertain significance. Last evaluated: 2020-09-24. Review status: criteria provided, single submitter. Criteria: ACMG Guidelines, 2015. Collection method: clinical testing. Allele origin: germline.

Genetic Services Laboratory, University of Chicago
Classification: Uncertain significance. Last evaluated: 2020-07-17. Review status: criteria provided, single submitter. Criteria: ACMG Guidelines, 2015. Collection method: clinical testing. Allele origin: germline. Affected: no.
Comment: DNA sequence analysis of the FKTN gene demonstrated a sequence change, c.437G>A, in exon 6 that results in an amino acid change, p.Arg146Gln. This sequence change does not appear to have been previously described in patients with FKTN-related disorders and has been described in the gnomAD database with a low frequency of 0.04% in the Finnish sub-population (dbSNP rs143748939). The p.Arg146Gln change affects a highly conserved amino acid residue located in a domain of the FKTN protein that is not known to be functional. In-silico pathogenicity prediction tools (SIFT, PolyPhen2, Align GVGD, REVEL) provide contradictory results for the p.Arg146Gln substitution. Due to these contrasting evidences and the lack of functional studies, the clinical significance of the p.Arg146Gln change remains unknown at this time.

Eurofins Ntd Llc (ga)
Classification: Uncertain significance. Last evaluated: 2018-08-16. Review status: criteria provided, single submitter. Criteria: EGL ClinVar v180209 classification definitions. Collection method: clinical testing. Allele origin: germline. Observed: 3 variant alleles, 3 heterozygotes.

Natera, Inc.
Classification: Uncertain significance for Walker-Warburg congenital muscular dystrophy. Last evaluated: 2020-01-24. Review status: no assertion criteria provided. Collection method: clinical testing. Allele origin: germline. Not counted in ClinVar's aggregate classification.

NM_001079802.2(FKTN):c.437G>A (p.Arg146Gln)

Gene: FKTN (fukutin; plus strand). Cytogenetic location: 9q31.2.
Variant type: single nucleotide variant.
Coding change: c.437G>A on transcript NM_001079802.2 (MANE Select); coding-DNA position 437, G replaced by A.
Protein change: p.Arg146Gln; replaces arginine 146 with glutamine.
Molecular consequence: missense variant. On other transcripts: non-coding transcript variant (2).
Genome position (GRCh38, 1-based): chr9:105,604,282, G>A. VCF-style: chr9-105604282-G-A. GRCh37 (hg19) VCF-style: chr9-108366563-G-A.
Other names: c.437G>A, p.Arg146Gln (NM_001198963.2, NM_001351496.2, NM_001351498.2 and 1 more transcripts); c.368G>A, p.Arg123Gln (NM_001351497.2); c.41G>A, p.Arg14Gln (NM_001351499.2, NM_001351500.2, NM_001351501.2 and 1 more transcripts); short protein forms R146Q, R123Q, R14Q.
Identifiers: ClinVar variation 283759 (VCV000283759.25), dbSNP rs143748939, ClinGen allele CA5170411.